The following is an entry in ClinVar:

ClinVar aggregate classification (germline): Benign (0 of 4 stars; one submission).

Conditions:
PARD3-related disorder. Also called: PARD3-related condition.

Allele frequency attached by ClinVar (database versions not stated): gnomAD exomes 0.00026; ExAC 0.00091; gnomAD 0.00253; TOPMed 0.00267; 1000 Genomes Project 0.00300; ESP Exome Variant Server 0.00300; 1000 Genomes Project 30x 0.00359.
gnomAD v4.1: 765 of 1,613,598 alleles (0.047%); highest among the groups gnomAD compares: African/African-American, 0.95%; 3 homozygotes.

Submission:

PreventionGenetics, part of Exact Sciences
Classification: Benign for PARD3-related condition. Last evaluated: 2019-10-04. Review status: no assertion criteria provided. Collection method: clinical testing. Allele origin: germline.
Comment: This variant is classified as benign based on ACMG/AMP sequence variant interpretation guidelines (Richards et al. 2015 PMID: 25741868, with internal and published modifications).

NM_001184785.2(PARD3):c.2265T>A (p.Thr755=)

Gene: PARD3 (par-3 family cell polarity regulator; minus strand). Cytogenetic location: 10p11.21.
Variant type: single nucleotide variant.
Coding change: c.2265T>A on transcript NM_001184785.2 (MANE Select); coding-DNA position 2265, T replaced by A.
Protein change: p.Thr755=; no amino-acid change (threonine 755 retained).
Molecular consequence: synonymous variant.
Genome position (GRCh38, 1-based): chr10:34,341,770, A>T on the plus strand (T>A on the coding strand, the complement: PARD3 is on the minus strand). VCF-style: chr10-34341770-A-T. GRCh37 (hg19) VCF-style: chr10-34630698-A-T.
Other names: c.2226T>A, p.Thr742= (NM_001184786.2, NM_001184788.2, NM_001184789.2 and 1 more transcripts); c.2274T>A, p.Thr758= (NM_001184787.2, NM_019619.4); c.2094T>A, p.Thr698= (NM_001184790.2, NM_001184791.2); c.2265T>A, p.Thr755= (NM_001184792.2, NM_001184793.2).
Identifiers: ClinVar variation 3046156 (VCV003046156.2), dbSNP rs61735563, ClinGen allele CA5467650.
Genomic context (GRCh38, chr10:34,341,770, plus strand): 5'-AGAGGACTGGTCAGAGAGATGTGGAGGAAGCACTGGCAACCTGTCATCTTCTATAATGAC[A>T]GTGTCATCTTGGGGCATATTCACTGTAGGGGACAGCTGGTATTTACCTGTCCAGTGAAAA-3'
Protein context (NP_001171714.1, residues 745-765): SPTVNMPQDD[Thr755=]VIIEDDRLPV